The following is an entry in ClinVar:

ClinVar aggregate classification (germline): Conflicting classifications of pathogenicity. Review status: criteria provided, conflicting classifications (1 of 4 stars). 7 submissions from 6 submitters: Uncertain significance (2); Likely benign (4). 1 of the submissions does not count toward it. Last evaluated 2026-04-30.

Conditions:
Usher syndrome type 2A. Also called: RETINAL DISEASE IN USHER SYNDROME TYPE IIA, MODIFIER OF; USHER SYNDROME, TYPE IIA. Identifiers: Orphanet 231178, Orphanet 886, MedGen C1848634, MONDO:0010169, OMIM 276901.
USH2A-related disorder. Also called: USH2A-related condition; USH2A-related disorders. Identifiers: MedGen CN239332.
Retinitis pigmentosa (RP). Identifiers: Orphanet 791, MedGen C0035334, MeSH D012174, MONDO:0019200, OMIM 268000. Inheritance: Autosomal dominant, autosomal recessive and X linked inheritance.

Allele frequency attached by ClinVar (database versions not stated): gnomAD 0.00003 and 0.00004; TOPMed 0.00004; ExAC 0.00012; gnomAD exomes 0.00014.
gnomAD v4.1: 75 of 1,613,994 alleles (0.0046%); highest among the groups gnomAD compares: Admixed American, 0.052%; no homozygotes.

Submissions (7):

PreventionGenetics, part of Exact Sciences
Classification: Likely benign for USH2A-related condition. Last evaluated: 2026-04-30. Review status: criteria provided, single submitter. Criteria: ACMG Guidelines, 2015. Collection method: clinical testing. Allele origin: germline.
Comment: This variant is classified as likely benign based on ACMG/AMP sequence variant interpretation guidelines (Richards et al. 2015 PMID: 25741868, with internal and published modifications).

Labcorp Genetics (formerly Invitae), Labcorp
Classification: Likely benign. Last evaluated: 2025-12-14. Review status: criteria provided, single submitter. Criteria: Invitae Variant Classification Sherloc (09022015). Collection method: clinical testing. Allele origin: germline.

Blueprint Genetics
Classification: Likely benign. Last evaluated: 2024-09-24. Review status: criteria provided, single submitter. Criteria: ACMG Guidelines, 2015. Collection method: clinical testing. Allele origin: germline.

GeneDx
Classification: Likely benign. Last evaluated: 2020-10-20. Review status: criteria provided, single submitter. Criteria: GeneDx Variant Classification Process June 2021. Collection method: clinical testing. Allele origin: germline. Affected: yes.

Illumina Laboratory Services, Illumina
Classification: Uncertain significance for Retinitis pigmentosa. Last evaluated: 2018-02-02. Review status: criteria provided, single submitter. Criteria: ICSL Variant Classification Criteria 13 December 2019. Collection method: clinical testing. Allele origin: germline.

Illumina Laboratory Services, Illumina
Classification: Uncertain significance for Usher syndrome type 2A. Last evaluated: 2018-02-02. Review status: criteria provided, single submitter. Criteria: ICSL Variant Classification Criteria 13 December 2019. Collection method: clinical testing. Allele origin: germline.

Natera, Inc.
Classification: Likely benign for Usher syndrome type 2A. Last evaluated: 2020-03-17. Review status: no assertion criteria provided. Collection method: clinical testing. Allele origin: germline. Not counted in ClinVar's aggregate classification.

NM_206933.4(USH2A):c.3780T>C (p.His1260=)

Genes: USH2A (usherin; minus strand), USH2A-AS1 (USH2A antisense RNA 1; plus strand). Cytogenetic location: 1q41.
Variant type: single nucleotide variant.
Coding change: c.3780T>C on transcript NM_206933.4 (MANE Select); coding-DNA position 3780, T replaced by C.
Protein change: p.His1260=; no amino-acid change (histidine 1260 retained).
Molecular consequence: synonymous variant.
Genome position (GRCh38, 1-based): chr1:216,199,658, A>G on the plus strand (T>C on the coding strand, the complement: USH2A is on the minus strand). VCF-style: chr1-216199658-A-G. GRCh37 (hg19) VCF-style: chr1-216373000-A-G.
Other names: c.3780T>C, p.His1260= (NM_007123.6).
Identifiers: ClinVar variation 729009 (VCV000729009.23), dbSNP rs759937489, ClinGen allele CA1395925.
Genomic context (GRCh38, chr1:216,199,658, plus strand): 5'-AAAGGGGAATCTCAGCCTTGGATTCTTACCATTTAGTTCCGCTGGTGGAGACCATTCTAC[A>G]TGAAGTTCTGTAGAACTGATTTTCTGCATCTTAGGTGGACTTAGTCTTTGGGGAGGGGCC-3'
Protein context (NP_996816.3, residues 1250-1270): KMQKISSTEL[His1260=]VEWSPPAELN